The following is an entry in ClinVar:

ClinVar aggregate classification (germline): Uncertain significance (1 of 4 stars; one submission).

gnomAD v4.1: 1 of 1,614,038 alleles (0.000062%); highest among the groups gnomAD compares: Non-Finnish European, 0.000085%; no homozygotes.

Submission:

Labcorp Genetics (formerly Invitae), Labcorp
Classification: Uncertain significance. Last evaluated: 2024-10-25. Review status: criteria provided, single submitter. Criteria: Invitae Variant Classification Sherloc (09022015). Collection method: clinical testing. Allele origin: germline.
Comment: This sequence change replaces glutamic acid, which is acidic and polar, with glutamine, which is neutral and polar, at codon 1375 of the TRPM1 protein (p.Glu1375Gln). This variant is not present in population databases (gnomAD no frequency). This variant has not been reported in the literature in individuals affected with TRPM1-related conditions. ClinVar contains an entry for this variant (Variation ID: 1480714). Invitae Evidence Modeling of protein sequence and biophysical properties (such as structural, functional, and spatial information, amino acid conservation, physicochemical variation, residue mobility, and thermodynamic stability) indicates that this missense variant is not expected to disrupt TRPM1 protein function with a negative predictive value of 95%. In summary, the available evidence is currently insufficient to determine the role of this variant in disease. Therefore, it has been classified as a Variant of Uncertain Significance.

NM_001252024.2(TRPM1):c.4189G>C (p.Glu1397Gln)

Gene: TRPM1 (transient receptor potential cation channel subfamily M member 1; minus strand). Cytogenetic location: 15q13.3.
Variant type: single nucleotide variant.
Coding change: c.4189G>C on transcript NM_001252024.2 (MANE Select); coding-DNA position 4189, G replaced by C.
Protein change: p.Glu1397Gln; replaces glutamic acid 1397 with glutamine.
Molecular consequence: missense variant.
Genome position (GRCh38, 1-based): chr15:31,002,511, C>G on the plus strand (G>C on the coding strand, the complement: TRPM1 is on the minus strand). VCF-style: chr15-31002511-C-G. GRCh37 (hg19) VCF-style: chr15-31294714-C-G.
Other names: c.4240G>C, p.Glu1414Gln (NM_001252020.2); c.4123G>C, p.Glu1375Gln (NM_002420.6); short protein forms E1397Q, E1375Q, E1414Q.
Identifiers: ClinVar variation 1480714 (VCV001480714.6), dbSNP rs3784589, ClinGen allele CA391527299.
Genomic context (GRCh38, chr15:31,002,511, plus strand): 5'-CATCTGATTTGTCCTGTCCATGTATCACATCTGTTTTATTTAAACTTGGGGAAATAGTTT[C>G]TTCTTTTTTAGAGTCTGTCTGTCTTTCATCATCTTCCTTTGAAATCCCAATATCTGGACC-3'
Protein context (NP_001238953.1, residues 1387-1407): DERQTDSKKE[Glu1397Gln]TISPSLNKTD